The following is an entry in ClinVar:

NM_001184.4(ATR):c.5851C>T (p.Arg1951Ter)

Gene: ATR (ATR checkpoint kinase; minus strand). Cytogenetic location: 3q23.
Variant type: single nucleotide variant.
Coding change: c.5851C>T on transcript NM_001184.4 (MANE Select); coding-DNA position 5851, C replaced by T.
Protein change: p.Arg1951Ter; replaces arginine 1951 with a stop codon.
Molecular consequence: nonsense.
Genome position (GRCh38, 1-based): chr3:142,496,408, G>A on the plus strand (C>T on the coding strand, the complement: ATR is on the minus strand). VCF-style: chr3-142496408-G-A. GRCh37 (hg19) VCF-style: chr3-142215250-G-A.
Other names: c.5659C>T, p.Arg1887Ter (NM_001354579.2); c.5851C>T (NM_001184.3); short protein forms R1887*, R1951*.
Identifiers: ClinVar variation 1069016 (VCV001069016.11), dbSNP rs758234545, ClinGen allele CA2649522.

ClinVar aggregate classification (germline): Pathogenic. Review status: criteria provided, multiple submitters, no conflicts (2 of 4 stars). 3 submissions from 3 submitters: Pathogenic (3). Last evaluated 2024-05-22.

Conditions:
Seckel syndrome 1 (SCKL1). Also called: MICROCEPHALIC PRIMORDIAL DWARFISM I. Identifiers: Orphanet 808, MedGen C4551474, MONDO:0008869, OMIM 210600.
Inborn genetic diseases. Identifiers: MedGen C0950123, MeSH D030342.

Allele frequency attached by ClinVar (database versions not stated): gnomAD exomes below 0.00001; ExAC 0.00002.
gnomAD v4.1: 15 of 1,603,446 alleles (0.00094%); highest among the groups gnomAD compares: East Asian, 0.0045%; no homozygotes.

Submissions (3):

Ambry Genetics
Classification: Pathogenic for Inborn genetic diseases. Last evaluated: 2024-05-22. Review status: criteria provided, single submitter. Criteria: Ambry Variant Classification Scheme 2023. Collection method: clinical testing. Allele origin: germline.
Comment: The c.5851C>T (p.R1951*) alteration, located in exon 34 (coding exon 34) of the ATR gene, consists of a C to T substitution at nucleotide position 5851. This changes the amino acid from an arginine (R) to a stop codon at amino acid position 1951. This alteration is expected to result in loss of function by premature protein truncation or nonsense-mediated mRNA decay. Based on data from the Genome Aggregation Database (gnomAD) database, the ATR c.5851C>T alteration was observed in 0.0004% (1/251,232) of total alleles studied. Based on the available evidence, this alteration is classified as pathogenic.

Labcorp Genetics (formerly Invitae), Labcorp
Classification: Pathogenic. Last evaluated: 2022-01-28. Review status: criteria provided, single submitter. Criteria: Invitae Variant Classification Sherloc (09022015). Collection method: clinical testing. Allele origin: germline.
Comment: This sequence change creates a premature translational stop signal (p.Arg1951*) in the ATR gene. It is expected to result in an absent or disrupted protein product. Loss-of-function variants in ATR are known to be pathogenic (PMID: 21228398, 23144622). This variant is present in population databases (rs758234545, gnomAD 0.007%). This variant has not been reported in the literature in individuals affected with ATR-related conditions. ClinVar contains an entry for this variant (Variation ID: 1069016). For these reasons, this variant has been classified as Pathogenic.

Genetics and Genomic Medicine Centre, NeuroGen Healthcare, NeuroGen Healthcare
Classification: Pathogenic for Seckel syndrome 1. Last evaluated: 2021-03-25. Review status: criteria provided, single submitter. Criteria: Submitter's publication. Collection method: clinical testing. Allele origin: unknown. Affected: no.

Literature cited by the submitters: PubMed 21228398 (cited by Labcorp Genetics (formerly Invitae), Labcorp); PubMed 23144622 (cited by Labcorp Genetics (formerly Invitae), Labcorp).